The following is an entry in ClinVar:

ClinVar aggregate classification (germline): Uncertain significance (1 of 4 stars; one submission).

Conditions:
Short-rib thoracic dysplasia 6 with or without polydactyly (SRTD6). Also called: POLYDACTYLY WITH NEONATAL CHONDRODYSTROPHY, TYPE II; SHORT RIB-POLYDACTYLY SYNDROME, TYPE IIA; SHORT-RIB THORACIC DYSPLASIA 6 WITH POLYDACTYLY; SHORT-RIB THORACIC DYSPLASIA 6 WITHOUT POLYDACTYLY; Majewski Syndrome. Identifiers: MedGen C0024507, MONDO:0009894, OMIM 263520.

Allele frequency attached by ClinVar (database versions not stated): gnomAD exomes below 0.00001; TOPMed below 0.00001.
gnomAD v4.1: 2 of 1,607,326 alleles (0.00012%); highest among the groups gnomAD compares: Admixed American, 0.0034%; no homozygotes.

Submission:

Labcorp Genetics (formerly Invitae), Labcorp
Classification: Uncertain significance for Short-rib thoracic dysplasia 6 with or without polydactyly. Last evaluated: 2025-04-14. Review status: criteria provided, single submitter. Criteria: Invitae Variant Classification Sherloc (09022015). Collection method: clinical testing. Allele origin: germline.
Comment: This sequence change falls in intron 15 of the NEK1 gene. It does not directly change the encoded amino acid sequence of the NEK1 protein. This variant is not present in population databases (gnomAD no frequency). This variant has not been reported in the literature in individuals affected with NEK1-related conditions. ClinVar contains an entry for this variant (Variation ID: 1984320). Algorithms developed to predict the effect of sequence changes on RNA splicing suggest that this variant may create or strengthen a splice site. In summary, the available evidence is currently insufficient to determine the role of this variant in disease. Therefore, it has been classified as a Variant of Uncertain Significance.

NM_001199397.3(NEK1):c.1267-11T>G

Gene: NEK1 (NIMA related kinase 1; minus strand). Cytogenetic location: 4q33.
Variant type: single nucleotide variant.
Coding change: c.1267-11T>G on transcript NM_001199397.3 (MANE Select); 11 bases into the intron before coding-DNA position 1267, T replaced by G.
Molecular consequence: intron variant.
Genome position (GRCh38, 1-based): chr4:169,556,106, A>C on the plus strand (T>G on the coding strand, the complement: NEK1 is on the minus strand). VCF-style: chr4-169556106-A-C. GRCh37 (hg19) VCF-style: chr4-170477257-A-C.
Other names: c.1141-11T>G (NM_001374421.1); c.1216-11T>G (NM_001374420.1); c.1192-11T>G (NM_001199399.3); c.1267-11T>G (NM_001199398.3, NM_001374419.1, NM_001199400.3 and 2 more transcripts).
Identifiers: ClinVar variation 1984320 (VCV001984320.4), dbSNP rs1762129496, ClinGen allele CA1512023139.